The following is an entry in ClinVar:

NM_000059.4(BRCA2):c.2721G>C (p.Lys907Asn)

Gene: BRCA2 (BRCA2 DNA repair associated; plus strand). Cytogenetic location: 13q13.1.
Variant type: single nucleotide variant.
Coding change: c.2721G>C on transcript NM_000059.4 (MANE Select); coding-DNA position 2721, G replaced by C.
Protein change: p.Lys907Asn; replaces lysine 907 with asparagine.
Molecular consequence: missense variant.
Genome position (GRCh38, 1-based): chr13:32,337,076, G>C. VCF-style: chr13-32337076-G-C. GRCh37 (hg19) VCF-style: chr13-32911213-G-C.
Other names: short protein forms K907N.
Identifiers: ClinVar variation 1390944 (VCV001390944.7), dbSNP rs2137489215, ClinGen allele CA387773571.

ClinVar aggregate classification (germline): Conflicting classifications of pathogenicity. Review status: criteria provided, conflicting classifications (1 of 4 stars). 2 submissions from 2 submitters: Uncertain significance (1); Likely benign (1). Last evaluated 2023-03-23.

Conditions:
Hereditary cancer-predisposing syndrome. Also called: Neoplastic Syndromes, Hereditary; Tumor predisposition; Hereditary neoplastic syndrome; Hereditary Cancer Syndrome. Identifiers: Orphanet 140162, MedGen C0027672, MeSH D009386, MONDO:0015356.
Hereditary breast ovarian cancer syndrome. Also called: Hereditary breast and ovarian cancer syndrome; Hereditary breast and ovarian cancer; BRCA1- and BRCA2-Associated Hereditary Breast and Ovarian Cancer; Hereditary breast and/or ovarian cancer syndrome; Hereditary breast and ovarian cancer syndrome (HBOC); Breast and ovarian cancer. Identifiers: Orphanet 145, MedGen C0677776, MeSH D061325, MONDO:0003582. Disease mechanism: loss of function.

Submissions (2):

University of Washington Department of Laboratory Medicine, University of Washington
Classification: Likely benign for Hereditary cancer-predisposing syndrome. Last evaluated: 2023-03-23. Review status: criteria provided, single submitter. Criteria: Dines et al. (Genet Med. 2020). Collection method: curation. Allele origin: germline.
Comment: Missense variant in a coldspot region where missense variants are very unlikely to be pathogenic (PMID:31911673).

BRCA2 exon 11 coldspot. Reclassification based on statistical prior probability.

Labcorp Genetics (formerly Invitae), Labcorp
Classification: Uncertain significance for Hereditary breast ovarian cancer syndrome. Last evaluated: 2021-11-05. Review status: criteria provided, single submitter. Criteria: Invitae Variant Classification Sherloc (09022015). Collection method: clinical testing. Allele origin: germline.
Comment: This sequence change replaces lysine, which is basic and polar, with asparagine, which is neutral and polar, at codon 907 of the BRCA2 protein (p.Lys907Asn). This variant is not present in population databases (gnomAD no frequency). This variant has not been reported in the literature in individuals affected with BRCA2-related conditions. Advanced modeling of protein sequence and biophysical properties (such as structural, functional, and spatial information, amino acid conservation, physicochemical variation, residue mobility, and thermodynamic stability) performed at Invitae indicates that this missense variant is not expected to disrupt BRCA2 protein function. In summary, the available evidence is currently insufficient to determine the role of this variant in disease. Therefore, it has been classified as a Variant of Uncertain Significance.